The following is an entry in ClinVar:

ClinVar aggregate classification (germline): Pathogenic/Likely pathogenic. Review status: criteria provided, multiple submitters, no conflicts (2 of 4 stars). 2 submissions from 2 submitters: Pathogenic (1); Likely pathogenic (1). Last evaluated 2025-09-12.

Conditions:
Renal tubulopathies.

Allele frequency attached by ClinVar (database versions not stated): gnomAD exomes below 0.00001 and 0.00002; gnomAD 0.00001.
gnomAD v4.1: 14 of 1,612,822 alleles (0.00087%); highest among the groups gnomAD compares: Admixed American, 0.0017%; no homozygotes.

Submissions (2):

Genetics Laboratory, Great Ormond Street Hospital NHS Foundation Trust, North Thames Genomic Laboratory Hub
Classification: Likely pathogenic for Renal tubulopathies. Last evaluated: 2025-09-12. Review status: criteria provided, single submitter. Criteria: ACGS Best Practice Guidelines for Variant Classification in Rare Disease 2024 v1.2. Collection method: clinical testing. Allele origin: germline. Affected: yes.
Comment: PM2_moderate, PP3_supporting, PM3_strong

Labcorp Genetics (formerly Invitae), Labcorp
Classification: Pathogenic. Last evaluated: 2024-12-04. Review status: criteria provided, single submitter. Criteria: Invitae Variant Classification Sherloc (09022015). Collection method: clinical testing. Allele origin: germline.
Comment: This sequence change replaces tryptophan, which is neutral and slightly polar, with glycine, which is neutral and non-polar, at codon 134 of the CYP24A1 protein (p.Trp134Gly). This variant is present in population databases (no rsID available, gnomAD 0.003%). This missense change has been observed in individual(s) with infantile hypercalcemia (PMID: 25194629). In at least one individual the data is consistent with being in trans (on the opposite chromosome) from a pathogenic variant. ClinVar contains an entry for this variant (Variation ID: 1067888). Invitae Evidence Modeling of protein sequence and biophysical properties (such as structural, functional, and spatial information, amino acid conservation, physicochemical variation, residue mobility, and thermodynamic stability) indicates that this missense variant is expected to disrupt CYP24A1 protein function with a positive predictive value of 95%. For these reasons, this variant has been classified as Pathogenic.

Literature cited by the submitters: PubMed 25194629 (cited by Labcorp Genetics (formerly Invitae), Labcorp).

NM_000782.5(CYP24A1):c.400T>G (p.Trp134Gly)

Gene: CYP24A1 (cytochrome P450 family 24 subfamily A member 1; minus strand). Cytogenetic location: 20q13.2.
Variant type: single nucleotide variant.
Coding change: c.400T>G on transcript NM_000782.5 (MANE Select); coding-DNA position 400, T replaced by G.
Protein change: p.Trp134Gly; replaces tryptophan 134 with glycine.
Molecular consequence: missense variant.
Genome position (GRCh38, 1-based): chr20:54,172,958, A>C on the plus strand (T>G on the coding strand, the complement: CYP24A1 is on the minus strand). VCF-style: chr20-54172958-A-C. GRCh37 (hg19) VCF-style: chr20-52789497-A-C.
Other names: c.400T>G, p.Trp134Gly (NM_001128915.2); short protein forms W134G.
Identifiers: ClinVar variation 1067888 (VCV001067888.10), dbSNP rs1170841548, ClinGen allele CA409392936.
Genomic context (GRCh38, chr20:54,172,958, plus strand): 5'-ATTGGACTCACAGGATCAGCAGCCCGTAGCCTTCTTTGCGGTAGTCGCGATAGGCCTTCC[A>C]CGGTTTGATCTCCAGCCGCTGCGGGTACGCGCTCTCGGTGCGGTACAGCGCTTCCAGCAG-3'
Protein context (NP_000773.2, residues 124-144): AYPQRLEIKP[Trp134Gly]KAYRDYRKEG